The following is an entry in ClinVar:

NM_000393.5(COL5A2):c.1716+13C>G

Gene: COL5A2 (collagen type V alpha 2 chain; minus strand). Cytogenetic location: 2q32.2.
Variant type: single nucleotide variant.
Coding change: c.1716+13C>G on transcript NM_000393.5 (MANE Select); 13 bases into the intron after coding-DNA position 1716, C replaced by G.
Molecular consequence: intron variant.
Genome position (GRCh38, 1-based): chr2:189,064,544, G>C on the plus strand (C>G on the coding strand, the complement: COL5A2 is on the minus strand). VCF-style: chr2-189064544-G-C. GRCh37 (hg19) VCF-style: chr2-189929270-G-C.
Identifiers: ClinVar variation 516447 (VCV000516447.6), dbSNP rs779517028, ClinGen allele CA2022610.
Genomic context (GRCh38, chr2:189,064,544, plus strand): 5'-ACAAAAACCCGACCAATGCATGCTCAGGAGCACTTCTCCCCTTTGATGTAGCAAACACTT[G>C]CTATATTCTTACCCGAGCACCTGGAAGCCCAGGTTCCCCTGGACGTCCTGGATCCCCCTG-3'

ClinVar aggregate classification (germline): Likely benign. Review status: criteria provided, multiple submitters, no conflicts (2 of 4 stars). 2 submissions from 2 submitters: Likely benign (2). Last evaluated 2025-10-12.

Conditions:
Ehlers-Danlos syndrome, classic type, 1 (EDSCL1). Also called: Ehlers-Danlos Syndrome, Classic Type, COL5A1-Related; EDS I; Ehlers-Danlos syndrome, type 1; EHLERS-DANLOS SYNDROME, GRAVIS TYPE; EHLERS-DANLOS SYNDROME, SEVERE CLASSIC TYPE. Identifiers: MedGen C0268335, MONDO:0019567, OMIM 130000.

Allele frequency attached by ClinVar (database versions not stated): ExAC 0.00001; gnomAD exomes 0.00003 and 0.00002.
gnomAD v4.1: 48 of 1,595,264 alleles (0.003%); highest among the groups gnomAD compares: Non-Finnish European, 0.0041%; no homozygotes.

Submissions (2):

Labcorp Genetics (formerly Invitae), Labcorp
Classification: Likely benign for Ehlers-Danlos syndrome, classic type, 1. Last evaluated: 2025-10-12. Review status: criteria provided, single submitter. Criteria: Invitae Variant Classification Sherloc (09022015). Collection method: clinical testing. Allele origin: germline.

GeneDx
Classification: Likely benign. Last evaluated: 2017-06-02. Review status: criteria provided, single submitter. Criteria: GeneDx Variant Classification (06012015). Collection method: clinical testing. Allele origin: germline. Affected: yes.
Comment: This variant is considered likely benign or benign based on one or more of the following criteria: it is a conservative change, it occurs at a poorly conserved position in the protein, it is predicted to be benign by multiple in silico algorithms, and/or has population frequency not consistent with disease.